The following is an entry in ClinVar:

ClinVar aggregate classification (germline): Benign/Likely benign. Review status: criteria provided, multiple submitters, no conflicts (2 of 4 stars). 4 submissions from 4 submitters: Benign (1); Likely benign (3). Last evaluated 2025-03-30.

Conditions:
Lynch syndrome 5 (LYNCH5). Also called: Colorectal cancer, hereditary nonpolyposis, type 5; Hereditary non-polyposis colorectal cancer, type 5. Identifiers: Orphanet 144, MedGen C1833477, MONDO:0013710, OMIM 614350. Disease mechanism: loss of function.
Hereditary nonpolyposis colorectal neoplasms. Identifiers: MedGen C0009405, MeSH D003123.
Hereditary cancer-predisposing syndrome. Also called: Hereditary neoplastic syndrome; Tumor predisposition; Hereditary Cancer Syndrome; Neoplastic Syndromes, Hereditary. Identifiers: Orphanet 140162, MedGen C0027672, MeSH D009386, MONDO:0015356.

Allele frequency attached by ClinVar (database versions not stated): gnomAD exomes below 0.00001.
gnomAD v4.1: 1 of 1,614,114 alleles (0.000062%); highest among the groups gnomAD compares: Non-Finnish European, 0.000085%; no homozygotes.

Submissions (4):

Labcorp Genetics (formerly Invitae), Labcorp
Classification: Likely benign for Hereditary nonpolyposis colorectal neoplasms. Last evaluated: 2025-03-30. Review status: criteria provided, single submitter. Criteria: Invitae Variant Classification Sherloc (09022015). Collection method: clinical testing. Allele origin: germline.

Myriad Genetics, Inc.
Classification: Benign for Lynch syndrome 5. Last evaluated: 2024-12-31. Review status: criteria provided, single submitter. Criteria: Myriad Autosomal Dominant, Autosomal Recessive and X-Linked Classification Criteria (2023). Collection method: clinical testing. Allele origin: unknown.
Comment: This variant is considered benign. This variant is a silent/synonymous amino acid change and it is not expected to impact splicing.

Ambry Genetics
Classification: Likely benign for Hereditary cancer-predisposing syndrome. Last evaluated: 2017-12-01. Review status: criteria provided, single submitter. Criteria: Ambry Variant Classification Scheme 2023. Collection method: clinical testing. Allele origin: germline.

Color Diagnostics, LLC DBA Color Health
Classification: Likely benign for Hereditary cancer-predisposing syndrome. Last evaluated: 2017-10-02. Review status: criteria provided, single submitter. Criteria: ACMG Guidelines, 2015. Collection method: clinical testing. Allele origin: germline.

NM_000179.3(MSH6):c.2406T>A (p.Pro802=)

Gene: MSH6 (mutS homolog 6; plus strand). Cytogenetic location: 2p16.3.
Variant type: single nucleotide variant.
Coding change: c.2406T>A on transcript NM_000179.3 (MANE Select); coding-DNA position 2406, T replaced by A.
Protein change: p.Pro802=; no amino-acid change (proline 802 retained).
Molecular consequence: synonymous variant.
Genome position (GRCh38, 1-based): chr2:47,800,389, T>A. VCF-style: chr2-47800389-T-A. GRCh37 (hg19) VCF-style: chr2-48027528-T-A.
Other names: c.2016T>A, p.Pro672= (NM_001281492.2); c.1500T>A, p.Pro500= (NM_001281493.2, NM_001281494.2).
Identifiers: ClinVar variation 491897 (VCV000491897.18), dbSNP rs1553413767, ClinGen allele CA426121795.